The following is an entry in ClinVar:

NM_001330588.2(TPP2):c.2420T>G (p.Leu807Ter)

Gene: TPP2 (tripeptidyl peptidase 2; plus strand). Cytogenetic location: 13q33.1.
Variant type: single nucleotide variant.
Coding change: c.2420T>G on transcript NM_001330588.2 (MANE Select); coding-DNA position 2420, T replaced by G.
Protein change: p.Leu807Ter; replaces leucine 807 with a stop codon.
Molecular consequence: nonsense. On other transcripts: non-coding transcript variant (1).
Genome position (GRCh38, 1-based): chr13:102,646,320, T>G. VCF-style: chr13-102646320-T-G. GRCh37 (hg19) VCF-style: chr13-103298670-T-G.
Other names: c.2420T>G, p.Leu807Ter (NM_001367947.1, NM_003291.4); short protein forms L807*.
Identifiers: ClinVar variation 1076853 (VCV001076853.7), dbSNP rs2139537621, ClinGen allele CA388497898.

ClinVar aggregate classification (germline): Pathogenic (1 of 4 stars; one submission).

Conditions:
Evans syndrome, immunodeficiency, and premature immunosenescence associated with tripeptidyl-peptidase II deficiency. Identifiers: MedGen CN231723. Disease mechanism: loss of function.

Submission:

Labcorp Genetics (formerly Invitae), Labcorp
Classification: Pathogenic for Evans syndrome, immunodeficiency, and premature immunosenescence associated with tripeptidyl-peptidase II deficiency. Last evaluated: 2022-08-10. Review status: criteria provided, single submitter. Criteria: Invitae Variant Classification Sherloc (09022015). Collection method: clinical testing. Allele origin: germline.
Comment: This sequence change creates a premature translational stop signal (p.Leu807*) in the TPP2 gene. It is expected to result in an absent or disrupted protein product. Loss-of-function variants in TPP2 are known to be pathogenic (PMID: 25414442). This variant is not present in population databases (gnomAD no frequency). This variant has not been reported in the literature in individuals affected with TPP2-related conditions. ClinVar contains an entry for this variant (Variation ID: 1076853). Algorithms developed to predict the effect of sequence changes on RNA splicing suggest that this variant may create or strengthen a splice site. For these reasons, this variant has been classified as Pathogenic.

Literature cited by the submitters: PubMed 25414442.